The following is an entry in ClinVar:

ClinVar aggregate classification (germline): Likely benign (1 of 4 stars; one submission).

gnomAD v4.1: 1 of 1,614,170 alleles (0.000062%); no homozygotes.

Submission:

CeGaT Center for Human Genetics Tuebingen
Classification: Likely benign. Last evaluated: 2024-02-01. Review status: criteria provided, single submitter. Criteria: CeGaT Center For Human Genetics Tuebingen Variant Classification Criteria Version 2. Collection method: clinical testing. Allele origin: germline. Affected: yes. Observed: 1 variant allele.
Comment: ANKRD11: PM2:Supporting, BP4, BP7

NM_013275.6(ANKRD11):c.3255G>A (p.Glu1085=)

Gene: ANKRD11 (ankyrin repeat domain 11; minus strand). Cytogenetic location: 16q24.3.
Variant type: single nucleotide variant.
Coding change: c.3255G>A on transcript NM_013275.6 (MANE Select); coding-DNA position 3255, G replaced by A.
Protein change: p.Glu1085=; no amino-acid change (glutamic acid 1085 retained).
Molecular consequence: synonymous variant.
Genome position (GRCh38, 1-based): chr16:89,283,287, C>T on the plus strand (G>A on the coding strand, the complement: ANKRD11 is on the minus strand). VCF-style: chr16-89283287-C-T. GRCh37 (hg19) VCF-style: chr16-89349695-C-T.
Other names: c.3255G>A, p.Glu1085= (NM_001256182.2, NM_001256183.2).
Identifiers: ClinVar variation 3027208 (VCV003027208.22), dbSNP rs1282188265, ClinGen allele CA497374820.